The following is an entry in ClinVar:

NM_022765.4(MICAL1):c.127G>A (p.Gly43Arg)

Gene: MICAL1 (microtubule associated monooxygenase, calponin and LIM domain containing 1; minus strand). Cytogenetic location: 6q21.
Variant type: single nucleotide variant.
Coding change: c.127G>A on transcript NM_022765.4 (MANE Select); coding-DNA position 127, G replaced by A.
Protein change: p.Gly43Arg; replaces glycine 43 with arginine.
Molecular consequence: missense variant.
Genome position (GRCh38, 1-based): chr6:109,454,070, C>T on the plus strand (G>A on the coding strand, the complement: MICAL1 is on the minus strand). VCF-style: chr6-109454070-C-T. GRCh37 (hg19) VCF-style: chr6-109775273-C-T.
Other names: c.127G>A, p.Gly43Arg (NM_001159291.2); c.184G>A, p.Gly62Arg (NM_001286613.2); short protein forms G43R, G62R.
Identifiers: ClinVar variation 2999148 (VCV002999148.3), dbSNP rs758036265, ClinGen allele CA365234005.
Genomic context (GRCh38, chr6:109,454,070, plus strand): 5'-GTGACTTGGCGCTCCAGTAGTTGAGCTGGTCCTTGATCTTGTGGTACTGGGGCAGCCCCC[C>T]ACCGGGTTCCAGCCCCAGGGCCCCACACAGCTCCTGGAAGCTGCTCAGCACGTCCTGGCA-3'
Protein context (NP_073602.3, residues 33-53): LCGALGLEPG[Gly43Arg]GLPQYHKIKD

ClinVar aggregate classification (germline): Uncertain significance (1 of 4 stars; one submission).

Submission:

Labcorp Genetics (formerly Invitae), Labcorp
Classification: Uncertain significance. Last evaluated: 2023-06-23. Review status: criteria provided, single submitter. Criteria: Invitae Variant Classification Sherloc (09022015). Collection method: clinical testing. Allele origin: germline.
Comment: This sequence change replaces glycine, which is neutral and non-polar, with arginine, which is basic and polar, at codon 62 of the MICAL1 protein (p.Gly62Arg). This variant is not present in population databases (gnomAD no frequency). This variant has not been reported in the literature in individuals affected with MICAL1-related conditions. An algorithm developed to predict the effect of missense changes on protein structure and function (PolyPhen-2) suggests that this variant is likely to be tolerated. In summary, the available evidence is currently insufficient to determine the role of this variant in disease. Therefore, it has been classified as a Variant of Uncertain Significance.